The following is an entry in ClinVar:

ClinVar aggregate classification (germline): Likely benign (0 of 4 stars; one submission).

Conditions:
PMPCB-related disorder. Also called: PMPCB-related condition.

Submission:

PreventionGenetics, part of Exact Sciences
Classification: Likely benign for PMPCB-related condition. Last evaluated: 2019-09-30. Review status: no assertion criteria provided. Collection method: clinical testing. Allele origin: germline.
Comment: This variant is classified as likely benign based on ACMG/AMP sequence variant interpretation guidelines (Richards et al. 2015 PMID: 25741868, with internal and published modifications).

NM_004279.3(PMPCB):c.994-9dup

Gene: PMPCB (peptidase, mitochondrial processing subunit beta; plus strand). Cytogenetic location: 7q22.1.
Variant type: Duplication.
Coding change: c.994-9dup on transcript NM_004279.3 (MANE Select); 9 bases into the intron before coding-DNA position 994, one base duplicated (T; older notation c.994-9dupT).
Molecular consequence: intron variant.
Genome position (GRCh38, 1-based): chr7:103,310,306, T duplicated; the last of 9 consecutive T bases (chr7:103,310,298-103,310,306); duplicating any one gives the same sequence. VCF-style (leftmost placement, unchanged base first): chr7-103310297-A-AT. GRCh37 (hg19) VCF-style: chr7-102950744-A-AT.
Identifiers: ClinVar variation 3041653 (VCV003041653.2), dbSNP rs757123684, ClinGen allele CA4418168.